The following is an entry in ClinVar:

ClinVar aggregate classification (germline): Benign/Likely benign. Review status: criteria provided, multiple submitters, no conflicts (2 of 4 stars). 4 submissions from 4 submitters: Benign (2); Likely benign (2). Last evaluated 2026-02-04.

Allele frequency attached by ClinVar (database versions not stated): ESP Exome Variant Server 0.02543; 1000 Genomes Project 30x 0.01733; gnomAD 0.02142 and 0.02137; gnomAD exomes 0.02507 and 0.02222; 1000 Genomes Project 0.01857; TOPMed 0.02211; ExAC 0.02292.
gnomAD v4.1: 39,937 of 1,611,980 alleles (2.5%); highest among the groups gnomAD compares: Non-Finnish European, 2.6%; 577 homozygotes.

Submissions (4):

Labcorp Genetics (formerly Invitae), Labcorp
Classification: Benign. Last evaluated: 2026-02-04. Review status: criteria provided, single submitter. Criteria: Invitae Variant Classification Sherloc (09022015). Collection method: clinical testing. Allele origin: germline.

Mayo Clinic Laboratories, Mayo Clinic
Classification: Benign. Last evaluated: 2023-10-10. Review status: criteria provided, single submitter. Criteria: ACMG Guidelines, 2015. Collection method: clinical testing. Allele origin: germline. Observed: 4 variant alleles.
Comment: BS1, BS2, BP4, BP7

GeneDx
Classification: Likely benign. Last evaluated: 2018-10-09. Review status: criteria provided, single submitter. Criteria: GeneDx Variant Classification Process June 2021. Collection method: clinical testing. Allele origin: germline. Affected: yes.

Breakthrough Genomics
Classification: Likely benign. Review status: criteria provided, single submitter. Criteria: ACMG Guidelines, 2015. Collection method: not provided. Allele origin: germline. Inheritance: Autosomal recessive inheritance. Affected: yes.

NM_153365.3(TAPT1):c.1474+10G>A

Gene: TAPT1 (transmembrane anterior posterior transformation 1; minus strand). Cytogenetic location: 4p15.32.
Variant type: single nucleotide variant.
Coding change: c.1474+10G>A on transcript NM_153365.3 (MANE Select); 10 bases into the intron after coding-DNA position 1474, G replaced by A.
Molecular consequence: intron variant.
Genome position (GRCh38, 1-based): chr4:16,166,623, C>T on the plus strand (G>A on the coding strand, the complement: TAPT1 is on the minus strand). VCF-style: chr4-16166623-C-T. GRCh37 (hg19) VCF-style: chr4-16168246-C-T.
Other names: p.?.
Identifiers: ClinVar variation 1207054 (VCV001207054.13), dbSNP rs2271748, ClinGen allele CA2867274.